The following is an entry in ClinVar:

NM_172364.5(CACNA2D4):c.293C>T (p.Ser98Phe)

Gene: CACNA2D4 (calcium voltage-gated channel auxiliary subunit alpha2delta 4; minus strand). Cytogenetic location: 12p13.33.
Variant type: single nucleotide variant.
Coding change: c.293C>T on transcript NM_172364.5 (MANE Select); coding-DNA position 293, C replaced by T.
Protein change: p.Ser98Phe; replaces serine 98 with phenylalanine.
Molecular consequence: missense variant.
Genome position (GRCh38, 1-based): chr12:1,914,870, G>A on the plus strand (C>T on the coding strand, the complement: CACNA2D4 is on the minus strand). VCF-style: chr12-1914870-G-A. GRCh37 (hg19) VCF-style: chr12-2024036-G-A.
Other names: short protein forms S98F.
Identifiers: ClinVar variation 4768129 (VCV004768129.1).

ClinVar aggregate classification (germline): Uncertain significance (1 of 4 stars; one submission).

gnomAD v4.1: 6 of 1,613,520 alleles (0.00037%); highest among the groups gnomAD compares: African/African-American, 0.0053%; no homozygotes.

Submission:

Labcorp Genetics (formerly Invitae), Labcorp
Classification: Uncertain significance. Last evaluated: 2025-10-20. Review status: criteria provided, single submitter. Criteria: Invitae Variant Classification Sherloc (09022015). Collection method: clinical testing. Allele origin: germline.
Comment: This sequence change replaces serine, which is neutral and polar, with phenylalanine, which is neutral and non-polar, at codon 98 of the CACNA2D4 protein (p.Ser98Phe). This variant is present in population databases (rs188644475, gnomAD 0.01%). This variant has not been reported in the literature in individuals affected with CACNA2D4-related conditions. An algorithm developed to predict the effect of missense changes on protein structure and function (PolyPhen-2) suggests that this variant is likely to be tolerated. In summary, the available evidence is currently insufficient to determine the role of this variant in disease. Therefore, it has been classified as a Variant of Uncertain Significance.